The following is an entry in ClinVar:

NM_015311.3(OBSL1):c.2907G>T (p.Leu969Phe)

Gene: OBSL1 (obscurin like cytoskeletal adaptor 1; minus strand). Cytogenetic location: 2q35.
Variant type: single nucleotide variant.
Coding change: c.2907G>T on transcript NM_015311.3 (MANE Select); coding-DNA position 2907, G replaced by T.
Protein change: p.Leu969Phe; replaces leucine 969 with phenylalanine.
Molecular consequence: missense variant.
Genome position (GRCh38, 1-based): chr2:219,562,448, C>A on the plus strand (G>T on the coding strand, the complement: OBSL1 is on the minus strand). VCF-style: chr2-219562448-C-A. GRCh37 (hg19) VCF-style: chr2-220427170-C-A.
Other names: c.2907G>T, p.Leu969Phe (NM_001173408.2, NM_001173431.2); short protein forms L969F.
Identifiers: ClinVar variation 2053540 (VCV002053540.4), dbSNP rs1387893362, ClinGen allele CA350743834.

ClinVar aggregate classification (germline): Uncertain significance (1 of 4 stars; one submission).

Submission:

Labcorp Genetics (formerly Invitae), Labcorp
Classification: Uncertain significance. Last evaluated: 2025-07-28. Review status: criteria provided, single submitter. Criteria: Invitae Variant Classification Sherloc (09022015). Collection method: clinical testing. Allele origin: germline.
Comment: This sequence change replaces leucine, which is neutral and non-polar, with phenylalanine, which is neutral and non-polar, at codon 969 of the OBSL1 protein (p.Leu969Phe). This variant is not present in population databases (gnomAD no frequency). This variant has not been reported in the literature in individuals affected with OBSL1-related conditions. ClinVar contains an entry for this variant (Variation ID: 2053540). An algorithm developed to predict the effect of missense changes on protein structure and function (PolyPhen-2) suggests that this variant is likely to be disruptive. In summary, the available evidence is currently insufficient to determine the role of this variant in disease. Therefore, it has been classified as a Variant of Uncertain Significance.